The following is an entry in ClinVar:

ClinVar aggregate classification (germline): Likely pathogenic (1 of 4 stars; one submission).

Conditions:
Intellectual disability-microcephaly-strabismus-behavioral abnormalities syndrome. Also called: White-Sutton Syndrome. Identifiers: Orphanet 468678, MedGen C4225351, MONDO:0014606, OMIM 616364.

Submission:

Rady Children's Institute for Genomic Medicine, Rady Children's Hospital San Diego
Classification: Likely pathogenic for White-Sutton syndrome. Last evaluated: 2025-08-15. Review status: criteria provided, single submitter. Criteria: ACMG Guidelines, 2015. Collection method: clinical testing. Allele origin: germline. Affected: yes.
Comment: This frameshifting variant in exon 14 of 19 is predicted to result in loss of normal protein function through either protein truncation or nonsense-mediated mRNA decay. The POGZ gene is constrained against variation (Z-score= 4.15 and pLI = 1), and loss-of-function variants have been reported in individuals with disease (HGMD, ClinVar database; PMID: 34645992). This variant has not been previously reported or functionally characterized in the literature to our knowledge. The c.2183del (p.Phe728SerfsTer18) variant is absent from the latest version of the gnomAD population database and thus is presumed to be rare. Based on the available evidence, c.2183del (p.Phe728SerfsTer18) is classified as Likely Pathogenic.

Literature cited by the submitters: PubMed 34645992.

NM_015100.4(POGZ):c.2183del (p.Phe728fs)

Gene: POGZ (pogo transposable element derived with ZNF domain; minus strand). Cytogenetic location: 1q21.3.
Variant type: Deletion.
Coding change: c.2183del on transcript NM_015100.4 (MANE Select); coding-DNA position 2183, one base deleted (T; older notation c.2183delT).
Protein change: p.Phe728fs; shifts the reading frame from phenylalanine 728.
Molecular consequence: frameshift variant.
Genome position (GRCh38, 1-based): chr1:151,408,460, A deleted on the plus strand (T on the coding strand, the reverse complement: POGZ is on the minus strand); the first of 2 consecutive A bases (chr1:151,408,460-151,408,461); deleting either gives the same sequence. VCF-style (leftmost placement, unchanged base first): chr1-151408459-GA-G. GRCh37 (hg19) VCF-style: chr1-151380935-GA-G.
Other names: c.2156del, p.Phe719fs (NM_001194937.2); c.1997del, p.Phe666fs (NM_001194938.2); c.2204del, p.Phe735fs (NM_001410860.1); c.2024del, p.Phe675fs (NM_207171.2); c.1898del, p.Phe633fs (NM_145796.4); short protein forms F633fs, F666fs, F675fs, F719fs, F728fs, F735fs.
Identifiers: ClinVar variation 4814228 (VCV004814228.1).